The following is an entry in ClinVar:

ClinVar aggregate classification (germline): Likely benign (1 of 4 stars; one submission).

Allele frequency attached by ClinVar (database versions not stated): 1000 Genomes Project 0.00120; 1000 Genomes Project 30x 0.00172; gnomAD 0.00386; TOPMed 0.00394; gnomAD exomes 0.00401; ExAC 0.00510.
gnomAD v4.1: 3,963 of 985,910 alleles (0.4%); highest among the groups gnomAD compares: Middle Eastern, 1%; 5 homozygotes.

Submission:

CeGaT Center for Human Genetics Tuebingen
Classification: Likely benign. Last evaluated: 2026-04-01. Review status: criteria provided, single submitter. Criteria: CeGaT Center For Human Genetics Tuebingen Variant Classification Criteria Version 2. Collection method: clinical testing. Allele origin: germline. Affected: yes. Observed: 11 variant alleles.
Comment: RBFOX1: BS1

NM_018723.4(RBFOX1):c.28-7847G>C

Gene: RBFOX1 (RNA binding fox-1 homolog 1; plus strand). Cytogenetic location: 16p13.3.
Variant type: single nucleotide variant.
Coding change: c.28-7847G>C on transcript NM_018723.4 (MANE Select); 7847 bases into the intron before coding-DNA position 28, G replaced by C.
Molecular consequence: intron variant. On other transcripts: missense variant (3).
Genome position (GRCh38, 1-based): chr16:7,510,300, G>C. VCF-style: chr16-7510300-G-C. GRCh37 (hg19) VCF-style: chr16-7560302-G-C.
Other names: c.136-7847G>C (NM_001415892.1, NM_001415909.1, NM_001415900.1 and 5 more transcripts); c.28-7847G>C (NM_001415916.1, NM_001142334.2, NM_001364800.2 and 1 more transcripts); c.103-7847G>C (NM_001415890.1, NM_001415901.1, NM_001415899.1 and 4 more transcripts); c.88-7847G>C (NM_001415904.1, NM_001415896.1, NM_145893.3 and 4 more transcripts); c.21G>C, p.Arg7Ser (NM_001415902.1, NM_001415911.1, NM_001415917.1); c.625-7847G>C (NM_001415887.1, NM_001415888.1); c.157-7847G>C (NM_001415895.1, NM_001415891.1, NM_001415907.1 and 5 more transcripts); short protein forms R7S.
Identifiers: ClinVar variation 2646176 (VCV002646176.24), dbSNP rs149128166, ClinGen allele CA7891269.